The following is an entry in ClinVar:

ClinVar aggregate classification (germline): Conflicting classifications of pathogenicity. Review status: criteria provided, conflicting classifications (1 of 4 stars). 5 submissions from 5 submitters: Uncertain significance (2); Benign (1); Likely benign (2). Last evaluated 2026-07-13.

Conditions:
Osteogenesis imperfecta type I (OI1). Also called: Lobstein disease; OI, TYPE I; OSTEOGENESIS IMPERFECTA TARDA; OSTEOGENESIS IMPERFECTA WITH BLUE SCLERAE; Osteogenesis imperfecta type 1; Classic Non-deforming Osteogenesis Imperfecta with Blue Sclerae. Identifiers: Orphanet 216796, Orphanet 666, MedGen C0023931, MONDO:0008146, OMIM 166200. Disease mechanism: loss of function.
Cardiovascular phenotype. Identifiers: MedGen CN230736.
Connective tissue disorder. Also called: Connective tissue disease. Identifiers: MedGen C0009782, MONDO:0003900.

Allele frequency attached by ClinVar (database versions not stated): gnomAD exomes 0.00001 and 0.00004; gnomAD 0.00002; ExAC 0.00003; TOPMed 0.00003.
gnomAD v4.1: 18 of 1,613,192 alleles (0.0011%); highest among the groups gnomAD compares: Admixed American, 0.018%; no homozygotes.

Submissions (5):

Ambry Genetics
Classification: Likely benign for Cardiovascular phenotype. Last evaluated: 2026-07-13. Review status: criteria provided, single submitter. Criteria: Ambry Variant Classification Scheme 2023. Collection method: clinical testing. Allele origin: germline.

Women's Health and Genetics/Laboratory Corporation of America, LabCorp
Classification: Likely benign. Last evaluated: 2026-05-21. Review status: criteria provided, single submitter. Criteria: LabCorp Variant Classification Summary - May 2015. Collection method: clinical testing. Allele origin: germline.
Comment: Variant summary: COL1A1 c.1062A>T (p.Glu354Asp) results in a conservative amino acid change in the encoded protein sequence. Algorithms developed to predict the effect of missense changes on protein structure and function are either unavailable or do not agree on the potential impact of this missense change. The variant allele was found at a frequency of 4e-05 in 250056 control chromosomes. The observed variant frequency exceeds the estimated maximal expected allele frequency for disease-causing variants in COL1A1, providing supporting evidence for a benign role. To our knowledge, no occurrence of c.1062A>T in individuals affected with COL1A1-related conditions and no experimental evidence demonstrating its impact on protein function have been reported. ClinVar contains an entry for this variant (Variation ID: 561283). Based on the evidence outlined above, the variant was classified as likely benign.

Labcorp Genetics (formerly Invitae), Labcorp
Classification: Benign for Osteogenesis imperfecta type I. Last evaluated: 2025-05-08. Review status: criteria provided, single submitter. Criteria: Invitae Variant Classification Sherloc (09022015). Collection method: clinical testing. Allele origin: germline.

Mayo Clinic Laboratories, Mayo Clinic
Classification: Uncertain significance. Last evaluated: 2020-09-29. Review status: criteria provided, single submitter. Criteria: ACMG Guidelines, 2015. Collection method: clinical testing. Allele origin: germline. Observed: 1 variant allele.

Center for Human Genetics, Inc
Classification: Uncertain significance for Connective tissue disorder. Last evaluated: 2018-06-01. Review status: criteria provided, single submitter. Criteria: ACMG Guidelines, 2015. Collection method: clinical testing. Allele origin: germline. Affected: yes.

NM_000088.4(COL1A1):c.1062A>T (p.Glu354Asp)

Gene: COL1A1 (collagen type I alpha 1 chain; minus strand). Cytogenetic location: 17q21.33.
Variant type: single nucleotide variant.
Coding change: c.1062A>T on transcript NM_000088.4 (MANE Select); coding-DNA position 1062, A replaced by T.
Protein change: p.Glu354Asp; replaces glutamic acid 354 with aspartic acid.
Molecular consequence: missense variant.
Genome position (GRCh38, 1-based): chr17:50,195,660, T>A on the plus strand (A>T on the coding strand, the complement: COL1A1 is on the minus strand). VCF-style: chr17-50195660-T-A. GRCh37 (hg19) VCF-style: chr17-48273021-T-A.
Other names: short protein forms E354D.
Identifiers: ClinVar variation 561283 (VCV000561283.15), dbSNP rs778733293, ClinGen allele CA8645401.